The following is an entry in ClinVar:

NM_014915.3(ANKRD26):c.1468C>T (p.Pro490Ser)

Gene: ANKRD26 (ankyrin repeat domain 26; minus strand). Cytogenetic location: 10p12.1.
Variant type: single nucleotide variant.
Coding change: c.1468C>T on transcript NM_014915.3 (MANE Select); coding-DNA position 1468, C replaced by T.
Protein change: p.Pro490Ser; replaces proline 490 with serine.
Molecular consequence: missense variant.
Genome position (GRCh38, 1-based): chr10:27,060,535, G>A on the plus strand (C>T on the coding strand, the complement: ANKRD26 is on the minus strand). VCF-style: chr10-27060535-G-A. GRCh37 (hg19) VCF-style: chr10-27349464-G-A.
Other names: c.1468C>T, p.Pro490Ser (NM_001256053.2); short protein forms P490S.
Identifiers: ClinVar variation 2173669 (VCV002173669.6), dbSNP rs767456225, ClinGen allele CA376357762.

ClinVar aggregate classification (germline): Uncertain significance. Review status: criteria provided, multiple submitters, no conflicts (2 of 4 stars). 3 submissions from 3 submitters: Uncertain significance (3). Last evaluated 2025-02-15.

Conditions:
Inborn genetic diseases. Identifiers: MedGen C0950123, MeSH D030342.

Allele frequency attached by ClinVar (database versions not stated): TOPMed below 0.00001; gnomAD 0.00001.
gnomAD v4.1: 6 of 1,540,744 alleles (0.00039%); highest among the groups gnomAD compares: Non-Finnish European, 0.00054%; no homozygotes.

Submissions (3):

Ambry Genetics
Classification: Uncertain significance for Inborn genetic diseases. Last evaluated: 2025-02-15. Review status: criteria provided, single submitter. Criteria: Ambry Variant Classification Scheme 2023. Collection method: clinical testing. Allele origin: germline.
Comment: The p.P490S variant (also known as c.1468C>T), located in coding exon 14 of the ANKRD26 gene, results from a C to T substitution at nucleotide position 1468. The proline at codon 490 is replaced by serine, an amino acid with similar properties. This amino acid position is conserved. In addition, this alteration is predicted to be tolerated by in silico analysis. Based on the available evidence, the clinical significance of this variant remains unclear.

GeneDx
Classification: Uncertain significance. Last evaluated: 2024-04-30. Review status: criteria provided, single submitter. Criteria: GeneDx Variant Classification Process June 2021. Collection method: clinical testing. Allele origin: germline. Affected: yes.
Comment: Not observed at significant frequency in large population cohorts (gnomAD); In silico analysis supports that this missense variant has a deleterious effect on protein structure/function; Has not been previously published as pathogenic or benign to our knowledge

Labcorp Genetics (formerly Invitae), Labcorp
Classification: Uncertain significance. Last evaluated: 2022-09-17. Review status: criteria provided, single submitter. Criteria: Invitae Variant Classification Sherloc (09022015). Collection method: clinical testing. Allele origin: germline.
Comment: Algorithms developed to predict the effect of missense changes on protein structure and function (SIFT, PolyPhen-2, Align-GVGD) all suggest that this variant is likely to be tolerated. This variant has not been reported in the literature in individuals affected with ANKRD26-related conditions. This variant is present in population databases (no rsID available, gnomAD 0.007%). This sequence change replaces proline, which is neutral and non-polar, with serine, which is neutral and polar, at codon 490 of the ANKRD26 protein (p.Pro490Ser). In summary, the available evidence is currently insufficient to determine the role of this variant in disease. Therefore, it has been classified as a Variant of Uncertain Significance.